The following is an entry in ClinVar:

ClinVar aggregate classification (germline): Uncertain significance (1 of 4 stars; one submission).

gnomAD v4.1: 5 of 1,613,330 alleles (0.00031%); highest among the groups gnomAD compares: Non-Finnish European, 0.00034%; no homozygotes.

Submission:

Labcorp Genetics (formerly Invitae), Labcorp
Classification: Uncertain significance. Last evaluated: 2024-06-24. Review status: criteria provided, single submitter. Criteria: Invitae Variant Classification Sherloc (09022015). Collection method: clinical testing. Allele origin: germline.
Comment: This sequence change replaces glycine, which is neutral and non-polar, with alanine, which is neutral and non-polar, at codon 1398 of the FOCAD protein (p.Gly1398Ala). This variant is present in population databases (rs772997220, gnomAD 0.0009%). This variant has not been reported in the literature in individuals affected with FOCAD-related conditions. Experimental studies and prediction algorithms are not available or were not evaluated, and the functional significance of this variant is currently unknown. In summary, the available evidence is currently insufficient to determine the role of this variant in disease. Therefore, it has been classified as a Variant of Uncertain Significance.

NM_001375567.1(FOCAD):c.4193G>C (p.Gly1398Ala)

Gene: FOCAD (focadhesin; plus strand). Cytogenetic location: 9p21.3.
Variant type: single nucleotide variant.
Coding change: c.4193G>C on transcript NM_001375567.1 (MANE Select); coding-DNA position 4193, G replaced by C.
Protein change: p.Gly1398Ala; replaces glycine 1398 with alanine.
Molecular consequence: missense variant.
Genome position (GRCh38, 1-based): chr9:20,976,480, G>C. VCF-style: chr9-20976480-G-C. GRCh37 (hg19) VCF-style: chr9-20976479-G-C.
Other names: c.4088G>C, p.Gly1363Ala (NM_001375568.1, NM_001375570.1); c.4193G>C, p.Gly1398Ala (NM_017794.5); short protein forms G1363A, G1398A.
Identifiers: ClinVar variation 3711212 (VCV003711212.2).